The following is an entry in ClinVar:

ClinVar aggregate classification (germline): Uncertain significance. Review status: criteria provided, multiple submitters, no conflicts (2 of 4 stars). 2 submissions from 2 submitters: Uncertain significance (2). Last evaluated 2025-10-14.

Conditions:
Inborn genetic diseases. Identifiers: MedGen C0950123, MeSH D030342.

gnomAD v4.1: 2 of 1,211,660 alleles (0.00017%); highest among the groups gnomAD compares: Non-Finnish European, 0.00022%; no homozygotes.

Submissions (2):

Ambry Genetics
Classification: Uncertain significance for Inborn genetic diseases. Last evaluated: 2025-10-14. Review status: criteria provided, single submitter. Criteria: Ambry Variant Classification Scheme 2023. Collection method: clinical testing. Allele origin: germline.

Labcorp Genetics (formerly Invitae), Labcorp
Classification: Uncertain significance. Last evaluated: 2023-11-19. Review status: criteria provided, single submitter. Criteria: Invitae Variant Classification Sherloc (09022015). Collection method: clinical testing. Allele origin: germline.
Comment: This sequence change replaces lysine, which is basic and polar, with glutamine, which is neutral and polar, at codon 247 of the ATP6AP1 protein (p.Lys247Gln). This variant is not present in population databases (gnomAD no frequency). This variant has not been reported in the literature in individuals affected with ATP6AP1-related conditions. ClinVar contains an entry for this variant (Variation ID: 1381218). Advanced modeling of protein sequence and biophysical properties (such as structural, functional, and spatial information, amino acid conservation, physicochemical variation, residue mobility, and thermodynamic stability) performed at Invitae indicates that this missense variant is not expected to disrupt ATP6AP1 protein function with a negative predictive value of 80%. In summary, the available evidence is currently insufficient to determine the role of this variant in disease. Therefore, it has been classified as a Variant of Uncertain Significance.

NM_001183.6(ATP6AP1):c.739A>C (p.Lys247Gln)

Gene: ATP6AP1 (ATPase H+ transporting accessory protein 1; plus strand). Cytogenetic location: Xq28.
Variant type: single nucleotide variant.
Coding change: c.739A>C on transcript NM_001183.6 (MANE Select); coding-DNA position 739, A replaced by C.
Protein change: p.Lys247Gln; replaces lysine 247 with glutamine.
Molecular consequence: missense variant.
Genome position (GRCh38, 1-based): chrX:154,434,262, A>C. VCF-style: chrX-154434262-A-C. GRCh37 (hg19) VCF-style: chrX-153662608-A-C.
Other names: c.739A>C (NM_001183.4); short protein forms K247Q.
Identifiers: ClinVar variation 1381218 (VCV001381218.7), dbSNP rs781928490, ClinGen allele CA415192975.